The following is an entry in ClinVar:

NM_014855.3(AP5Z1):c.1000G>A (p.Val334Met)

Gene: AP5Z1 (adaptor related protein complex 5 subunit zeta 1; plus strand). Cytogenetic location: 7p22.1.
Variant type: single nucleotide variant.
Coding change: c.1000G>A on transcript NM_014855.3 (MANE Select); coding-DNA position 1000, G replaced by A.
Protein change: p.Val334Met; replaces valine 334 with methionine.
Molecular consequence: missense variant. On other transcripts: non-coding transcript variant (1).
Genome position (GRCh38, 1-based): chr7:4,785,552, G>A. VCF-style: chr7-4785552-G-A. GRCh37 (hg19) VCF-style: chr7-4825183-G-A.
Other names: c.532G>A, p.Val178Met (NM_001364858.1); short protein forms V178M, V334M.
Identifiers: ClinVar variation 1344190 (VCV001344190.6), dbSNP rs750795563, ClinGen allele CA4137558.

ClinVar aggregate classification (germline): Uncertain significance. Review status: criteria provided, multiple submitters, no conflicts (2 of 4 stars). 3 submissions from 3 submitters: Uncertain significance (3). Last evaluated 2026-06-01.

Conditions:
Inborn genetic diseases. Identifiers: MedGen C0950123, MeSH D030342.
Hereditary spastic paraplegia. Also called: Familial spastic paraparesis. Identifiers: Orphanet 685, MedGen C0037773, MONDO:0019064. Disease mechanism: loss of function.

Allele frequency attached by ClinVar (database versions not stated): gnomAD exomes 0.00001; ExAC 0.00002; TOPMed 0.00002.
gnomAD v4.1: 21 of 1,611,978 alleles (0.0013%); highest among the groups gnomAD compares: South Asian, 0.0022%; no homozygotes.

Submissions (3):

CeGaT Center for Human Genetics Tuebingen
Classification: Uncertain significance. Last evaluated: 2026-06-01. Review status: criteria provided, single submitter. Criteria: CeGaT Center For Human Genetics Tuebingen Variant Classification Criteria Version 2. Collection method: clinical testing. Allele origin: germline. Affected: yes. Observed: 1 variant allele.
Comment: AP5Z1: PM2

Ambry Genetics
Classification: Uncertain significance for Inborn genetic diseases. Last evaluated: 2025-02-09. Review status: criteria provided, single submitter. Criteria: Ambry Variant Classification Scheme 2023. Collection method: clinical testing. Allele origin: germline.

Genome Diagnostics Laboratory, The Hospital for Sick Children
Classification: Uncertain significance for Hereditary spastic paraplegia. Last evaluated: 2017-01-03. Review status: criteria provided, single submitter. Criteria: ACMG Guidelines, 2015. Collection method: clinical testing. Allele origin: germline. Affected: yes.